The following is an entry in ClinVar:

NM_001010892.3(RSPH4A):c.1454G>A (p.Arg485Gln)

Gene: RSPH4A (radial spoke head component 4A; plus strand). Cytogenetic location: 6q22.1.
Variant type: single nucleotide variant.
Coding change: c.1454G>A on transcript NM_001010892.3 (MANE Select); coding-DNA position 1454, G replaced by A.
Protein change: p.Arg485Gln; replaces arginine 485 with glutamine.
Molecular consequence: missense variant.
Genome position (GRCh38, 1-based): chr6:116,628,161, G>A. VCF-style: chr6-116628161-G-A. GRCh37 (hg19) VCF-style: chr6-116949324-G-A.
Other names: c.1454G>A, p.Arg485Gln (NM_001161664.2); short protein forms R485Q.
Identifiers: ClinVar variation 5028450 (VCV005028450.1).

ClinVar aggregate classification (germline): Uncertain significance (1 of 4 stars; one submission).

Conditions:
Primary ciliary dyskinesia. Also called: Ciliary dyskinesia. Identifiers: Orphanet 244, MedGen C0008780, MONDO:0016575, HP:0012265.

gnomAD v4.1: 8 of 1,614,052 alleles (0.0005%); highest among the groups gnomAD compares: East Asian, 0.0022%; no homozygotes.

Submission:

Ambry Genetics
Classification: Uncertain significance for Primary ciliary dyskinesia. Last evaluated: 2026-06-30. Review status: criteria provided, single submitter. Criteria: Ambry Variant Classification Scheme 2023. Collection method: clinical testing. Allele origin: germline.
Comment: The p.R485Q variant (also known as c.1454G>A), located in coding exon 3 of the RSPH4A gene, results from a G to A substitution at nucleotide position 1454. The arginine at codon 485 is replaced by glutamine, an amino acid with highly similar properties. This variant has been identified in the homozygous state and/or in conjunction with other RSPH4A variant(s) in individual(s) with features consistent with RSPH4A-related primary ciliary dyskinesia (Guan Y et al. Chest, 2021 May;159:1768-1781). This amino acid position is highly conserved in available vertebrate species. In addition, this alteration is predicted to be deleterious by in silico analysis. Based on the available evidence, the clinical significance of this variant remains unclear.

Literature cited by the submitters: PubMed 33577779.